The following is an entry in ClinVar:

NM_002087.4(GRN):c.1345_1365del (p.Ser449_Thr455del)

Gene: GRN (granulin precursor; plus strand). Cytogenetic location: 17q21.31.
Variant type: Deletion.
Coding change: c.1345_1365del on transcript NM_002087.4 (MANE Select); coding-DNA positions 1345 to 1365, 21 bases deleted (AGCTGCCCGGTGGGGCAGACC).
Protein change: p.Ser449_Thr455del.
Molecular consequence: inframe deletion. On other transcripts: inframe indel (1).
Genome position (GRCh38, 1-based): chr17:44,352,180-44,352,200, AGCTGCCCGGTGGGGCAGACC deleted; deleting any 21 consecutive bases within chr17:44,352,177-44,352,200 gives the same sequence; the c. name uses the placement nearest the transcript's 3' end. VCF-style (leftmost placement, unchanged base first): chr17-44352176-CACCAGCTGCCCGGTGGGGCAG-C. GRCh37 (hg19) VCF-style: chr17-42429544-CACCAGCTGCCCGGTGGGGCAG-C.
Other names: c.1345_1365del21, p.Ser449_Thr455del (NM_002087.2).
Identifiers: ClinVar variation 3343681 (VCV003343681.1).

ClinVar aggregate classification (germline): Uncertain significance (1 of 4 stars; one submission).

Submission:

GeneDx
Classification: Uncertain significance. Last evaluated: 2023-05-27. Review status: criteria provided, single submitter. Criteria: GeneDx Variant Classification Process June 2021. Collection method: clinical testing. Allele origin: germline. Affected: yes.
Comment: Not observed at significant frequency in large population cohorts (gnomAD); In-frame deletion of 7 amino acids in a non-repeat region; In silico analysis supports a deleterious effect on protein structure/function; Has not been previously published as pathogenic or benign to our knowledge